The following is an entry in ClinVar:

NM_004369.4(COL6A3):c.2219G>A (p.Arg740His)

Gene: COL6A3 (collagen type VI alpha 3 chain; minus strand). Cytogenetic location: 2q37.3.
Variant type: single nucleotide variant.
Coding change: c.2219G>A on transcript NM_004369.4 (MANE Select); coding-DNA position 2219, G replaced by A.
Protein change: p.Arg740His; replaces arginine 740 with histidine.
Molecular consequence: missense variant. On other transcripts: intron variant (1).
Genome position (GRCh38, 1-based): chr2:237,378,914, C>T on the plus strand (G>A on the coding strand, the complement: COL6A3 is on the minus strand). VCF-style: chr2-237378914-C-T. GRCh37 (hg19) VCF-style: chr2-238287557-C-T.
Other names: c.998G>A, p.Arg333His (NM_057164.5); c.1601G>A, p.Arg534His (NM_057165.5, NM_057167.4); c.677-1570G>A (NM_057166.5); short protein forms R740H, R534H, R333H.
Identifiers: ClinVar variation 284057 (VCV000284057.15), dbSNP rs529827991, ClinGen allele CA2189453.

ClinVar aggregate classification (germline): Conflicting classifications of pathogenicity. Review status: criteria provided, conflicting classifications (1 of 4 stars). 4 submissions from 4 submitters: Uncertain significance (3); Likely benign (1). Last evaluated 2025-04-10.

Conditions:
Bethlem myopathy 1A. Also called: Bethlem myopathy 1; MYOPATHY, BENIGN CONGENITAL, WITH CONTRACTURES; Bethlem Muscular Dystrophy. Identifiers: Orphanet 610, MedGen CN029274, MONDO:0024530, OMIM 158810.

Allele frequency attached by ClinVar (database versions not stated): ExAC 0.00003; gnomAD 0.00003 and 0.00005; gnomAD exomes 0.00004; TOPMed 0.00004; 1000 Genomes Project 30x 0.00016; 1000 Genomes Project 0.00020.
gnomAD v4.1: 53 of 1,614,208 alleles (0.0033%); highest among the groups gnomAD compares: Middle Eastern, 0.016%; no homozygotes.

Submissions (4):

Revvity Omics, Revvity
Classification: Uncertain significance. Last evaluated: 2025-04-10. Review status: criteria provided, single submitter. Criteria: ACMG Guidelines, 2015. Collection method: clinical testing. Allele origin: germline.

GeneDx
Classification: Uncertain significance. Last evaluated: 2025-03-18. Review status: criteria provided, single submitter. Criteria: GeneDx Variant Classification Process June 2021. Collection method: clinical testing. Allele origin: germline. Affected: yes.
Comment: In silico analysis indicates that this missense variant does not alter protein structure/function; Has not been previously published as pathogenic or benign to our knowledge

Labcorp Genetics (formerly Invitae), Labcorp
Classification: Likely benign for Bethlem myopathy 1A. Last evaluated: 2024-07-21. Review status: criteria provided, single submitter. Criteria: Invitae Variant Classification Sherloc (09022015). Collection method: clinical testing. Allele origin: germline.

Eurofins Ntd Llc (ga)
Classification: Uncertain significance. Last evaluated: 2015-10-28. Review status: criteria provided, single submitter. Criteria: EGL Classification Definitions 2015. Collection method: clinical testing. Allele origin: germline. Observed: 1 variant allele, 1 heterozygote.